The following is an entry in ClinVar:

ClinVar aggregate classification (germline): Uncertain significance (1 of 4 stars; one submission).

gnomAD v4.1: 1 of 1,613,758 alleles (0.000062%); highest among the groups gnomAD compares: Admixed American, 0.0017%; no homozygotes.

Submission:

Ambry Genetics
Classification: Uncertain significance. Last evaluated: 2025-02-21. Review status: criteria provided, single submitter. Criteria: Ambry Variant Classification Scheme 2023. Collection method: clinical testing. Allele origin: germline.
Comment: The p.V1265I variant (also known as c.3793G>A), located in coding exon 34 of the KIF1B gene, results from a G to A substitution at nucleotide position 3793. The valine at codon 1265 is replaced by isoleucine, an amino acid with highly similar properties. This amino acid position is conserved. In addition, the in silico prediction for this alteration is inconclusive. Based on the available evidence, the clinical significance of this variant remains unclear.

NM_001365951.3(KIF1B):c.3931G>A (p.Val1311Ile)

Gene: KIF1B (kinesin family member 1B; plus strand). Cytogenetic location: 1p36.22.
Variant type: single nucleotide variant.
Coding change: c.3931G>A on transcript NM_001365951.3 (MANE Select); coding-DNA position 3931, G replaced by A.
Protein change: p.Val1311Ile; replaces valine 1311 with isoleucine.
Molecular consequence: missense variant.
Genome position (GRCh38, 1-based): chr1:10,348,715, G>A. VCF-style: chr1-10348715-G-A. GRCh37 (hg19) VCF-style: chr1-10408773-G-A.
Other names: c.3931G>A, p.Val1311Ile (NM_001365952.1); c.3793G>A, p.Val1265Ile (NM_015074.3); short protein forms V1311I, V1265I.
Identifiers: ClinVar variation 3864104 (VCV003864104.1).
Genomic context (GRCh38, chr1:10,348,715, plus strand): 5'-CAGCGAAGGATCACAGTGACCATTATCCATGAGAAGGGGAGCGAGCTCCATTGGAAAGAT[G>A]TTCGTGAACTGGTGGTAGGTGAGTACGTTTCATCAGCCAAGGATAGAACCAGGACTTACA-3'
Protein context (NP_001352880.1, residues 1301-1321): EKGSELHWKD[Val1311Ile]RELVVGRIRN